The following is an entry in ClinVar:

NM_000146.4(FTL):c.-157G>A

Gene: FTL (ferritin light chain; plus strand). Cytogenetic location: 19q13.33.
Variant type: single nucleotide variant.
Coding change: c.-157G>A on transcript NM_000146.4 (MANE Select); 157 bases upstream of the start codon, G replaced by A.
Molecular consequence: 5 prime UTR variant.
Genome position (GRCh38, 1-based): chr19:48,965,351, G>A. VCF-style: chr19-48965351-G-A. GRCh37 (hg19) VCF-style: chr19-49468608-G-A.
Identifiers: ClinVar variation 647521 (VCV000647521.12), dbSNP rs1600120873, ClinGen allele CA915951696.
Genomic context (GRCh38, chr19:48,965,351, plus strand): 5'-CCCTAGCCACGTCCCCTCGCAGTTCGGCGGTCCCGCGGGTCTGTCTCTTGCTTCAACAGT[G>A]TTTGGACGGAACAGATCCGGGGACTCTCTTCCAGCCTCCGACCGCCCTCCGATTTCCTCT-3'

ClinVar aggregate classification (germline): Pathogenic/Likely pathogenic. Review status: criteria provided, multiple submitters, no conflicts (2 of 4 stars). 2 submissions from 2 submitters: Pathogenic (1); Likely pathogenic (1). Last evaluated 2024-02-20.

Conditions:
Hereditary hyperferritinemia with congenital cataracts. Also called: Hereditary hyperferritinemia cataract syndrome; Bonneau-Beaumont syndrome; HYPERFERRITINEMIA WITH OR WITHOUT CATARACT. Identifiers: Orphanet 163, MedGen C1833213, MONDO:0010952, OMIM 600886.
Neuroferritinopathy (NBIA3). Also called: NEURODEGENERATION WITH BRAIN IRON ACCUMULATION 3; BASAL GANGLIA DISEASE, ADULT-ONSET. Identifiers: Orphanet 157846, MedGen C1853578, MONDO:0011638, OMIM 606159.
FTL-related disorders.

Allele frequency attached by ClinVar (database versions not stated): gnomAD exomes below 0.00001.
gnomAD v4.1: 1 of 689,404 alleles (0.00015%); highest among the groups gnomAD compares: Non-Finnish European, 0.00026%; no homozygotes.

Submissions (2):

Blueprint Genetics
Classification: Likely pathogenic for FTL-related disorders. Last evaluated: 2024-02-20. Review status: criteria provided, single submitter. Criteria: ACMG Guidelines, 2015. Collection method: clinical testing. Allele origin: germline. Affected: yes. Observed: 2 variant alleles.

Labcorp Genetics (formerly Invitae), Labcorp
Classification: Pathogenic for Neuroferritinopathy; Hereditary hyperferritinemia with congenital cataracts. Last evaluated: 2019-03-21. Review status: criteria provided, single submitter. Criteria: Invitae Variant Classification Sherloc (09022015). Collection method: clinical testing. Allele origin: germline.
Comment: This sequence change falls in the non-coding 5'UTR of the FTL gene. It does not directly change the encoded amino acid sequence of the FTL protein. For these reasons, this variant has been classified as Pathogenic. This sequence change is located in the non-coding 5'UTR of the FTL gene, where a significant number of previously reported variants are found to associate with hyperferritinemia (PMID: 19800271, 7493028, 23421845, 10383191, 22881709, 9226182). Experimental studies have shown that this change reduces the binding between iron-responsive elements (IREs) and iron regulatory proteins (IRPs) to less than 1% of wild type. (PMID: 9726965). This variant has been observed in individuals and families with hereditary hyperferritinemia-cataract syndrome (PMID: 15690351, Invitae). This variant is also known as 43G>A or Fer HL1 in the literature. This variant is not present in population databases (ExAC no frequency).

Literature cited by the submitters: PubMed 19800271 (cited by Labcorp Genetics (formerly Invitae), Labcorp); PubMed 7493028 (cited by Labcorp Genetics (formerly Invitae), Labcorp); PubMed 23421845 (cited by Labcorp Genetics (formerly Invitae), Labcorp); PubMed 10383191 (cited by Labcorp Genetics (formerly Invitae), Labcorp); PubMed 22881709 (cited by Labcorp Genetics (formerly Invitae), Labcorp); PubMed 9226182 (cited by Labcorp Genetics (formerly Invitae), Labcorp); PubMed 9726965 (cited by Labcorp Genetics (formerly Invitae), Labcorp); PubMed 15690351 (cited by Labcorp Genetics (formerly Invitae), Labcorp).